The following is an entry in ClinVar:

NM_015419.4(MXRA5):c.4479C>T (p.Ser1493=)

Gene: MXRA5 (matrix remodeling associated 5; minus strand). Cytogenetic location: Xp22.33.
Variant type: single nucleotide variant.
Coding change: c.4479C>T on transcript NM_015419.4 (MANE Select); coding-DNA position 4479, C replaced by T.
Protein change: p.Ser1493=; no amino-acid change (serine 1493 retained).
Molecular consequence: synonymous variant.
Genome position (GRCh38, 1-based): chrX:3,321,206, G>A on the plus strand (C>T on the coding strand, the complement: MXRA5 is on the minus strand). VCF-style: chrX-3321206-G-A. GRCh37 (hg19) VCF-style: chrX-3239247-G-A.
Identifiers: ClinVar variation 2659881 (VCV002659881.24), dbSNP rs1173956154, ClinGen allele CA515399798.
Genomic context (GRCh38, chrX:3,321,206, plus strand): 5'-AAGTGCTGGCTTAGTGGTGGTGGTTTGTCCCAAAGACATGAGAATTGTGGATGGGGACGA[G>A]GATGCTGGCTCCTTCATCCGGGCAGCAGTAGGGGTGTGATTCTGTGGTCTAGTTTCAGAA-3'
Protein context (NP_056234.2, residues 1483-1503): PTAARMKEPA[Ser1493=]SSPSTILMSL

ClinVar aggregate classification (germline): Likely benign (1 of 4 stars; one submission).

Allele frequency attached by ClinVar (database versions not stated): gnomAD exomes below 0.00001; TOPMed below 0.00001; gnomAD 0.00001.
gnomAD v4.1: 5 of 1,209,709 alleles (0.00041%); highest among the groups gnomAD compares: Non-Finnish European, 0.00056%; no homozygotes.

Submission:

CeGaT Center for Human Genetics Tuebingen
Classification: Likely benign. Last evaluated: 2023-03-01. Review status: criteria provided, single submitter. Criteria: CeGaT Center For Human Genetics Tuebingen Variant Classification Criteria Version 2. Collection method: clinical testing. Allele origin: germline. Affected: yes. Observed: 1 variant allele.
Comment: MXRA5: BP4, BP7